The following is an entry in ClinVar:

ClinVar aggregate classification (germline): Pathogenic (1 of 4 stars; one submission).

Conditions:
Joubert syndrome. Also called: CEREBELLOPARENCHYMAL DISORDER IV; JOUBERT-BOLTSHAUSER SYNDROME; Familial aplasia of the vermis. Identifiers: Orphanet 475, MedGen C5979921, MONDO:0018772.
Meckel-Gruber syndrome. Also called: DYSENCEPHALIA SPLANCHNOCYSTICA; GRUBER SYNDROME; Dysencephalia splachnocystica. Identifiers: Orphanet 564, MedGen C0265215, MONDO:0018921.

Submission:

Labcorp Genetics (formerly Invitae), Labcorp
Classification: Pathogenic for Joubert syndrome; Meckel-Gruber syndrome. Last evaluated: 2023-11-06. Review status: criteria provided, single submitter. Criteria: Invitae Variant Classification Sherloc (09022015). Collection method: clinical testing. Allele origin: unknown.
Comment: This variant is a gross deletion of the genomic region encompassing exon(s) 10 of the RPGRIP1L gene. This deletion is out-of-frame, and is expected to create a premature termination codon and result in an absent or disrupted protein product. Loss-of-function variants in RPGRIP1L are known to be pathogenic (PMID: 17558409). This variant has not been reported in the literature in individuals affected with RPGRIP1L-related conditions. For these reasons, this variant has been classified as Pathogenic.

Literature cited by the submitters: PubMed 17558409.

NC_000016.9:g.(?_53698762)_(53698941_?)del

Gene: RPGRIP1L (RPGRIP1 like; minus strand). Cytogenetic location: 16q12.2.
Variant type: Deletion.
Identifiers: ClinVar variation 3243369 (VCV003243369.1).